The following is an entry in ClinVar:

ClinVar aggregate classification (germline): Uncertain significance (1 of 4 stars; one submission).

Submission:

Labcorp Genetics (formerly Invitae), Labcorp
Classification: Uncertain significance. Last evaluated: 2022-03-01. Review status: criteria provided, single submitter. Criteria: Invitae Variant Classification Sherloc (09022015). Collection method: clinical testing. Allele origin: germline.
Comment: In summary, the available evidence is currently insufficient to determine the role of this variant in disease. Therefore, it has been classified as a Variant of Uncertain Significance. Algorithms developed to predict the effect of sequence changes on RNA splicing suggest that this variant may create or strengthen a splice site. Algorithms developed to predict the effect of missense changes on protein structure and function are either unavailable or do not agree on the potential impact of this missense change (SIFT: "Not Available"; PolyPhen-2: "Probably Damaging"; Align-GVGD: "Not Available"). This variant has not been reported in the literature in individuals affected with HGF-related conditions. This variant is not present in population databases (gnomAD no frequency). This sequence change replaces lysine, which is basic and polar, with glutamic acid, which is acidic and polar, at codon 170 of the HGF protein (p.Lys170Glu).

NM_000601.6(HGF):c.508A>G (p.Lys170Glu)

Gene: HGF (hepatocyte growth factor; minus strand). Cytogenetic location: 7q21.11.
Variant type: single nucleotide variant.
Coding change: c.508A>G on transcript NM_000601.6 (MANE Select); coding-DNA position 508, A replaced by G.
Protein change: p.Lys170Glu; replaces lysine 170 with glutamic acid.
Molecular consequence: missense variant.
Genome position (GRCh38, 1-based): chr7:81,752,237, T>C on the plus strand (A>G on the coding strand, the complement: HGF is on the minus strand). VCF-style: chr7-81752237-T-C. GRCh37 (hg19) VCF-style: chr7-81381553-T-C.
Other names: c.508A>G, p.Lys170Glu (NM_001010931.3, NM_001010934.3); c.493A>G, p.Lys165Glu (NM_001010932.3, NM_001010933.3); short protein forms K170E, K165E.
Identifiers: ClinVar variation 2176414 (VCV002176414.4), dbSNP rs2116123373, ClinGen allele CA367874958.
Genomic context (GRCh38, chr7:81,752,237, plus strand): 5'-AACACCAGGGTCCCCCTTCTTCCCCTCGAGGATTTCGACAGTAGTTTTCCTGTAGGTCTT[T>C]ACCCCGATAGCTCGAAGGCAAAAAGCTAGTTTTAAAATGATAATCATTACAGTATAAGAG-3'
Protein context (NP_000592.3, residues 160-180): HSFLPSSYRG[Lys170Glu]DLQENYCRNP